The following is an entry in ClinVar:

NM_000059.4(BRCA2):c.8062C>T (p.Leu2688Phe)

Gene: BRCA2 (BRCA2 DNA repair associated; plus strand). Cytogenetic location: 13q13.1.
Variant type: single nucleotide variant.
Coding change: c.8062C>T on transcript NM_000059.4 (MANE Select); coding-DNA position 8062, C replaced by T.
Protein change: p.Leu2688Phe; replaces leucine 2688 with phenylalanine.
Molecular consequence: missense variant. On other transcripts: non-coding transcript variant (1).
Genome position (GRCh38, 1-based): chr13:32,363,264, C>T. VCF-style: chr13-32363264-C-T. GRCh37 (hg19) VCF-style: chr13-32937401-C-T.
Other names: c.7966C>T, p.Leu2656Phe (NM_001406719.1); c.8062C>T, p.Leu2688Phe (NM_001406720.1, NM_001432077.1); c.3130C>T, p.Leu1044Phe (NM_001406721.1); c.1645C>T, p.Leu549Phe (NM_001406722.1); short protein forms L2688F, L1044F, L2656F, L549F.
Identifiers: ClinVar variation 3636529 (VCV003636529.2).

ClinVar aggregate classification (germline): Uncertain significance (1 of 4 stars; one submission).

Conditions:
Hereditary breast ovarian cancer syndrome. Also called: Hereditary breast and ovarian cancer syndrome; Hereditary breast and ovarian cancer syndrome (HBOC); BRCA1- and BRCA2-Associated Hereditary Breast and Ovarian Cancer; Hereditary breast and ovarian cancer; Breast and ovarian cancer; Hereditary breast and/or ovarian cancer syndrome. Identifiers: Orphanet 145, MedGen C0677776, MeSH D061325, MONDO:0003582. Disease mechanism: loss of function.

Submission:

Labcorp Genetics (formerly Invitae), Labcorp
Classification: Uncertain significance for Hereditary breast ovarian cancer syndrome. Last evaluated: 2024-10-07. Review status: criteria provided, single submitter. Criteria: Invitae Variant Classification Sherloc (09022015). Collection method: clinical testing. Allele origin: germline.
Comment: This sequence change replaces leucine, which is neutral and non-polar, with phenylalanine, which is neutral and non-polar, at codon 2688 of the BRCA2 protein (p.Leu2688Phe). This variant is not present in population databases (gnomAD no frequency). This variant has not been reported in the literature in individuals affected with BRCA2-related conditions. Invitae Evidence Modeling of protein sequence and biophysical properties (such as structural, functional, and spatial information, amino acid conservation, physicochemical variation, residue mobility, and thermodynamic stability) has been performed for this missense variant. However, the output from this modeling did not meet the statistical confidence thresholds required to predict the impact of this variant on BRCA2 protein function. This variant disrupts the p.Leu2688 amino acid residue in BRCA2. Other variant(s) that disrupt this residue have been determined to be pathogenic (PMID: 19043619, 23108138, 24323938, 29394989). This suggests that this residue is clinically significant, and that variants that disrupt this residue are likely to be disease-causing. In summary, the available evidence is currently insufficient to determine the role of this variant in disease. Therefore, it has been classified as a Variant of Uncertain Significance.

Literature cited by the submitters: PubMed 19043619; PubMed 23108138; PubMed 24323938; PubMed 29394989.